The following is an entry in ClinVar:

NM_002764.4(PRPS1):c.177T>A (p.Gly59=)

Gene: PRPS1 (phosphoribosyl pyrophosphate synthetase 1; plus strand). Cytogenetic location: Xq22.3.
Variant type: single nucleotide variant.
Coding change: c.177T>A on transcript NM_002764.4 (MANE Select); coding-DNA position 177, T replaced by A.
Protein change: p.Gly59=; no amino-acid change (glycine 59 retained).
Molecular consequence: synonymous variant. On other transcripts: intron variant (1).
Genome position (GRCh38, 1-based): chrX:107,639,349, T>A. VCF-style: chrX-107639349-T-A. GRCh37 (hg19) VCF-style: chrX-106882579-T-A.
Other names: c.-82-5828T>A (NM_001204402.2).
Identifiers: ClinVar variation 386431 (VCV000386431.11), dbSNP rs147896410, ClinGen allele CA10485594.
Genomic context (GRCh38, chrX:107,639,349, plus strand): 5'-TTGTAGTGTGGAAATTGGTGAAAGTGTACGTGGAGAGGATGTCTACATTGTTCAGAGTGG[T>A]TGTGGCGAAATCAATGACAATTTAATGGAGCTTTTGATCATGATTAATGCCTGCAAGATT-3'
Protein context (NP_002755.1, residues 49-69): RGEDVYIVQS[Gly59=]CGEINDNLME

ClinVar aggregate classification (germline): Likely benign. Review status: criteria provided, multiple submitters, no conflicts (2 of 4 stars). 3 submissions from 3 submitters: Likely benign (3). Last evaluated 2024-10-29.

Conditions:
Charcot-Marie-Tooth Neuropathy X. Identifiers: MedGen CN118851.
Nephrolithiasis/nephrocalcinosis. Identifiers: MedGen CN580796.

Allele frequency attached by ClinVar (database versions not stated): ExAC 0.00001; gnomAD 0.00001; gnomAD exomes 0.00001; TOPMed 0.00001; ESP Exome Variant Server 0.00009.
gnomAD v4.1: 9 of 1,209,577 alleles (0.00074%); highest among the groups gnomAD compares: Non-Finnish European, 0.001%; no homozygotes.

Submissions (3):

Labcorp Genetics (formerly Invitae), Labcorp
Classification: Likely benign for Charcot-Marie-Tooth Neuropathy X. Last evaluated: 2024-10-29. Review status: criteria provided, single submitter. Criteria: Invitae Variant Classification Sherloc (09022015). Collection method: clinical testing. Allele origin: germline.

Ambry Genetics
Classification: Likely benign for Nephrolithiasis/nephrocalcinosis. Last evaluated: 2019-07-11. Review status: criteria provided, single submitter. Criteria: Ambry Variant Classification Scheme 2023. Collection method: clinical testing. Allele origin: germline.

GeneDx
Classification: Likely benign. Last evaluated: 2016-05-26. Review status: criteria provided, single submitter. Criteria: GeneDx Variant Classification (06012015). Collection method: clinical testing. Allele origin: germline. Affected: yes.
Comment: This variant is considered likely benign or benign based on one or more of the following criteria: it is a conservative change, it occurs at a poorly conserved position in the protein, it is predicted to be benign by multiple in silico algorithms, and/or has population frequency not consistent with disease.